The following is an entry in ClinVar:

ClinVar aggregate classification (germline): Uncertain significance. Review status: criteria provided, multiple submitters, no conflicts (2 of 4 stars). 6 submissions from 6 submitters: Uncertain significance (6). Last evaluated 2025-12-24.

Conditions:
Inborn genetic diseases. Identifiers: MedGen C0950123, MeSH D030342.
Baller-Gerold syndrome (BGS). Also called: CRANIOSYNOSTOSIS WITH RADIAL DEFECTS. Identifiers: Orphanet 1225, MedGen C0265308, MONDO:0009039, OMIM 218600.
Rothmund-Thomson syndrome (RTS). Also called: Poikiloderma Congenitale; Poikiloderma of Rothmund-Thomson. Identifiers: Orphanet 2909, MedGen C0032339, MONDO:0010002.
Rapadilino syndrome. Identifiers: Orphanet 3021, MedGen C1849453, MONDO:0009955, OMIM 266280.

Allele frequency attached by ClinVar (database versions not stated): TOPMed 0.00006; gnomAD 0.00007 and 0.00008; gnomAD exomes 0.00007; ExAC 0.00010; 1000 Genomes Project 30x 0.00016; 1000 Genomes Project 0.00020.
gnomAD v4.1: 84 of 1,609,626 alleles (0.0052%); highest among the groups gnomAD compares: African/African-American, 0.017%; no homozygotes.

Submissions (6):

Labcorp Genetics (formerly Invitae), Labcorp
Classification: Uncertain significance for Baller-Gerold syndrome. Last evaluated: 2025-12-24. Review status: criteria provided, single submitter. Criteria: Invitae Variant Classification Sherloc (09022015). Collection method: clinical testing. Allele origin: germline.
Comment: This sequence change replaces arginine, which is basic and polar, with glutamine, which is neutral and polar, at codon 751 of the RECQL4 protein (p.Arg751Gln). This variant is present in population databases (rs559066300, gnomAD 0.03%). This variant has not been reported in the literature in individuals affected with RECQL4-related conditions. ClinVar contains an entry for this variant (Variation ID: 407010). Invitae Evidence Modeling of protein sequence and biophysical properties (such as structural, functional, and spatial information, amino acid conservation, physicochemical variation, residue mobility, and thermodynamic stability) indicates that this missense variant is not expected to disrupt RECQL4 protein function with a negative predictive value of 80%. In summary, the available evidence is currently insufficient to determine the role of this variant in disease. Therefore, it has been classified as a Variant of Uncertain Significance.

Revvity Omics, Revvity
Classification: Uncertain significance. Last evaluated: 2023-06-12. Review status: criteria provided, single submitter. Criteria: ACMG Guidelines, 2015. Collection method: clinical testing. Allele origin: germline.

Institute for Clinical Genetics, University Hospital TU Dresden, University Hospital TU Dresden
Classification: Uncertain significance. Last evaluated: 2021-11-03. Review status: criteria provided, single submitter. Criteria: ACMG Guidelines, 2015. Collection method: clinical testing. Allele origin: germline.

Ambry Genetics
Classification: Uncertain significance for Inborn genetic diseases. Last evaluated: 2021-09-01. Review status: criteria provided, single submitter. Criteria: Ambry Variant Classification Scheme 2023. Collection method: clinical testing. Allele origin: germline.

Fulgent Genetics
Classification: Uncertain significance for Baller-Gerold syndrome; Rapadilino syndrome; Rothmund-Thomson syndrome type 2. Last evaluated: 2018-10-31. Review status: criteria provided, single submitter. Criteria: ACMG Guidelines, 2015. Collection method: clinical testing. Allele origin: unknown.

Breakthrough Genomics
Classification: Uncertain significance. Review status: criteria provided, single submitter. Criteria: ACMG Guidelines, 2015. Collection method: not provided. Allele origin: germline. Inheritance: Autosomal recessive inheritance. Affected: yes.

NM_004260.4(RECQL4):c.2252G>A (p.Arg751Gln)

Gene: RECQL4 (RecQ like helicase 4; minus strand). Cytogenetic location: 8q24.3.
Variant type: single nucleotide variant.
Coding change: c.2252G>A on transcript NM_004260.4 (MANE Select); coding-DNA position 2252, G replaced by A.
Protein change: p.Arg751Gln; replaces arginine 751 with glutamine.
Molecular consequence: missense variant.
Genome position (GRCh38, 1-based): chr8:144,513,429, C>T on the plus strand (G>A on the coding strand, the complement: RECQL4 is on the minus strand). VCF-style: chr8-144513429-C-T. GRCh37 (hg19) VCF-style: chr8-145738813-C-T.
Other names: short protein forms R751Q.
Identifiers: ClinVar variation 407010 (VCV000407010.16), dbSNP rs559066300, ClinGen allele CA4948362.